The following is an entry in ClinVar:

ClinVar aggregate classification (germline): Conflicting classifications of pathogenicity. Review status: criteria provided, conflicting classifications (1 of 4 stars). 6 submissions from 6 submitters: Uncertain significance (5); Likely benign (1). Last evaluated 2026-03-19.

Conditions:
Catecholaminergic polymorphic ventricular tachycardia (CVPT). Also called: Catecholamine-induced polymorphic ventricular tachycardia. Identifiers: Orphanet 3286, MedGen C5574922, MONDO:0017990.
Cardiomyopathy (CMYO). Also called: Cardiomyopathies. Identifiers: Orphanet 167848, MedGen C0878544, MONDO:0004994, HP:0001638. Inheritance: Various modes of inheritance.
Arrhythmogenic right ventricular dysplasia 2. Identifiers: MedGen C1832931.
Ventricular arrhythmias due to cardiac ryanodine receptor calcium release deficiency syndrome. Also called: Autosomal dominant cardiac arrhythmia (Kuhn). Identifiers: MedGen C5542154, MONDO:0020745, OMIM 115000.
Catecholaminergic polymorphic ventricular tachycardia 1. Also called: RYR2-Related Catecholaminergic Polymorphic Ventricular Tachycardia; VENTRICULAR TACHYCARDIA, STRESS-INDUCED POLYMORPHIC 1; VENTRICULAR TACHYCARDIA, CATECHOLAMINERGIC POLYMORPHIC, 1, WITH OR WITHOUT ATRIAL DYSFUNCTION AND/OR DILATED CARDIOMYOPATHY. Identifiers: Orphanet 3286, MedGen C1631597, MONDO:0011484, OMIM 604772.
Cardiovascular phenotype. Identifiers: MedGen CN230736.

Allele frequency attached by ClinVar (database versions not stated): TOPMed below 0.00001; ExAC 0.00002; gnomAD 0.00002 and 0.00003; gnomAD exomes 0.00002 and 0.00004; 1000 Genomes Project 30x 0.00016; 1000 Genomes Project 0.00020.
gnomAD v4.1: 30 of 1,613,812 alleles (0.0019%); highest among the groups gnomAD compares: East Asian, 0.016%; no homozygotes.

Submissions (6):

GeneDx
Classification: Uncertain significance. Last evaluated: 2026-03-19. Review status: criteria provided, single submitter. Criteria: GeneDx Variant Classification Process June 2021. Collection method: clinical testing. Allele origin: germline.
Comment: Reported in a patient with CPVT in the published literature; the patient's two children with negative exercise test also inherited the variant (PMID: 26189708); Reported in a patient with sudden cardiac death in the published literature (PMID: 26688388); Not located in one of the three hot-spot regions of the RYR2 gene, where the majority of pathogenic missense variants occur (PMID: 19926015); In silico analysis supports that this missense variant has a deleterious effect on protein structure/function; This variant is associated with the following publications: (PMID: 26189708, 19926015, 26688388, 32048431)

Ambry Genetics
Classification: Uncertain significance for Cardiovascular phenotype. Last evaluated: 2025-08-22. Review status: criteria provided, single submitter. Criteria: Ambry Variant Classification Scheme 2023. Collection method: clinical testing. Allele origin: germline.
Comment: The p.I2095T variant (also known as c.6284T>C), located in coding exon 41 of the RYR2 gene, results from a T to C substitution at nucleotide position 6284. The isoleucine at codon 2095 is replaced by threonine, an amino acid with similar properties. This alteration has been reported in a subject with catecholaminergic polymorphic ventricular tachycardia (CPVT) and in a sudden cardiac death cohort (Jim&eacute;nez-J&aacute;imez J et al. Am. J. Cardiol., 2015 Sep;116:894-9; Chanavat V et al. Clin. Chim. Acta, 2016 Jan;453:80-5). This alteration was also noted as a secondary finding in an exome cohort (Diebold I et al. Hum Mutat, 2020 May;41:1025-1032). This amino acid position is not well conserved in available vertebrate species, and threonine is the reference amino acid in other vertebrate species. In addition, the in silico prediction for this alteration is inconclusive. Based on the available evidence, the clinical significance of this variant remains unclear.

Labcorp Genetics (formerly Invitae), Labcorp
Classification: Uncertain significance for Catecholaminergic polymorphic ventricular tachycardia 1. Last evaluated: 2024-12-23. Review status: criteria provided, single submitter. Criteria: Invitae Variant Classification Sherloc (09022015). Collection method: clinical testing. Allele origin: germline.
Comment: This sequence change replaces isoleucine, which is neutral and non-polar, with threonine, which is neutral and polar, at codon 2095 of the RYR2 protein (p.Ile2095Thr). The frequency data for this variant in the population databases is considered unreliable, as metrics indicate poor data quality at this position in the gnomAD database. This missense change has been observed in individual(s) with catecholaminergic polymorphic ventricular tachycardia and hypertrophic cardiomyopathy (PMID: 26189708, 26688388). ClinVar contains an entry for this variant (Variation ID: 658340). Invitae Evidence Modeling of protein sequence and biophysical properties (such as structural, functional, and spatial information, amino acid conservation, physicochemical variation, residue mobility, and thermodynamic stability) has been performed for this missense variant. However, the output from this modeling did not meet the statistical confidence thresholds required to predict the impact of this variant on RYR2 protein function. In summary, the available evidence is currently insufficient to determine the role of this variant in disease. Therefore, it has been classified as a Variant of Uncertain Significance.

Color Diagnostics, LLC DBA Color Health
Classification: Likely benign for Cardiomyopathy. Last evaluated: 2024-09-23. Review status: criteria provided, single submitter. Criteria: ACMG Guidelines, 2015. Collection method: clinical testing. Allele origin: germline.

All of Us Research Program, National Institutes of Health
Classification: Uncertain significance for Catecholaminergic polymorphic ventricular tachycardia. Last evaluated: 2023-06-26. Review status: criteria provided, single submitter. Criteria: ACMG Guidelines, 2015. Collection method: clinical testing. Allele origin: germline. Inheritance: Autosomal dominant inheritance. Observed: 1 variant allele, 1 heterozygote.
Comment: This variant is located in the RYR2 protein. Computational prediction suggests that this variant may have deleterious impact on protein structure and function (internally defined REVEL score threshold >= 0.7, PMID: 27666373). To our knowledge, functional studies have not been reported for this variant. This variant has been reported in an individual affected with catecholaminergic polymorphic ventricular tachycardia (PMID: 26189708) and in an individual affected with hypertrophic cardiomyopathy (PMID: 26688388). This variant has been identified in 10/280556 chromosomes in the general population by the Genome Aggregation Database (gnomAD). The available evidence is insufficient to determine the role of this variant in disease conclusively. Therefore, this variant is classified as a Variant of Uncertain Significance.

This study involves interpretation of variants in research participants for the purpose of population health screening. Participant phenotype was not available at the time of variant classification. Additional details can be found in publication PMID: 35346344, PMCID: PMC8962531

Fulgent Genetics
Classification: Uncertain significance for Ventricular arrhythmias due to cardiac ryanodine receptor calcium release deficiency syndrome; Catecholaminergic polymorphic ventricular tachycardia 1. Last evaluated: 2021-10-08. Review status: criteria provided, single submitter. Criteria: ACMG Guidelines, 2015. Collection method: clinical testing. Allele origin: unknown.

Literature cited by the submitters: PubMed 26189708 (cited by 3 submitters); PubMed 26688388 (cited by 3 submitters); PubMed 32048431 (cited by Ambry Genetics).

NM_001035.3(RYR2):c.6284T>C (p.Ile2095Thr)

Gene: RYR2 (ryanodine receptor 2; plus strand). Cytogenetic location: 1q43.
Variant type: single nucleotide variant.
Coding change: c.6284T>C on transcript NM_001035.3 (MANE Select); coding-DNA position 6284, T replaced by C.
Protein change: p.Ile2095Thr; replaces isoleucine 2095 with threonine.
Molecular consequence: missense variant.
Genome position (GRCh38, 1-based): chr1:237,627,924, T>C. VCF-style: chr1-237627924-T-C. GRCh37 (hg19) VCF-style: chr1-237791224-T-C.
Other names: c.6284T>C, p.Ile2095Thr (LRG_402t1); short protein forms I2095T.
Identifiers: ClinVar variation 658340 (VCV000658340.22), dbSNP rs142498105, ClinGen allele CA087086.
Genomic context (GRCh38, chr1:237,627,924, plus strand): 5'-TTGAAGACCCCGAGCTGGTGAGGGCCATGTTTGTGTTGCTCCATCGGCAGTATGACGGCA[T>C]TGGGGGTCTTGTTCGGGCCCTGCCAAAGACCTACACGATAAATGGTGTGTCCGTGGAGGA-3'
Protein context (NP_001026.2, residues 2085-2105): FVLLHRQYDG[Ile2095Thr]GGLVRALPKT